The following is an entry in ClinVar:

NM_025074.7(FRAS1):c.7988C>T (p.Ala2663Val)

Gene: FRAS1 (Fraser extracellular matrix complex subunit 1; plus strand). Cytogenetic location: 4q21.21.
Variant type: single nucleotide variant.
Coding change: c.7988C>T on transcript NM_025074.7 (MANE Select); coding-DNA position 7988, C replaced by T.
Protein change: p.Ala2663Val; replaces alanine 2663 with valine.
Molecular consequence: missense variant.
Genome position (GRCh38, 1-based): chr4:78,477,951, C>T. VCF-style: chr4-78477951-C-T. GRCh37 (hg19) VCF-style: chr4-79399105-C-T.
Other names: short protein forms A2663V.
Identifiers: ClinVar variation 2419405 (VCV002419405.3), dbSNP rs779574423, ClinGen allele CA2978260.

ClinVar aggregate classification (germline): Uncertain significance (1 of 4 stars; one submission).

Allele frequency attached by ClinVar (database versions not stated): gnomAD 0.00001; gnomAD exomes 0.00001; ExAC 0.00002.
gnomAD v4.1: 12 of 1,613,198 alleles (0.00074%); highest among the groups gnomAD compares: Admixed American, 0.0033%; no homozygotes.

Submission:

Labcorp Genetics (formerly Invitae), Labcorp
Classification: Uncertain significance. Last evaluated: 2021-12-24. Review status: criteria provided, single submitter. Criteria: Invitae Variant Classification Sherloc (09022015). Collection method: clinical testing. Allele origin: germline.
Comment: This sequence change replaces alanine, which is neutral and non-polar, with valine, which is neutral and non-polar, at codon 2663 of the FRAS1 protein (p.Ala2663Val). This variant is present in population databases (rs779574423, gnomAD 0.004%). This variant has not been reported in the literature in individuals affected with FRAS1-related conditions. Algorithms developed to predict the effect of missense changes on protein structure and function are either unavailable or do not agree on the potential impact of this missense change (SIFT: "Deleterious"; PolyPhen-2: "Benign"; Align-GVGD: "Class C55"). Algorithms developed to predict the effect of sequence changes on RNA splicing suggest that this variant may create or strengthen a splice site. In summary, the available evidence is currently insufficient to determine the role of this variant in disease. Therefore, it has been classified as a Variant of Uncertain Significance.